The following is an entry in ClinVar:

ClinVar aggregate classification (germline): Uncertain significance. Review status: criteria provided, multiple submitters, no conflicts (2 of 4 stars). 2 submissions from 2 submitters: Uncertain significance (2). Last evaluated 2025-07-10.

Allele frequency attached by ClinVar (database versions not stated): gnomAD 0.00001; ExAC 0.00002; gnomAD exomes 0.00002; TOPMed 0.00002.
gnomAD v4.1: 26 of 1,613,826 alleles (0.0016%); highest among the groups gnomAD compares: Middle Eastern, 0.016%; no homozygotes.

Submissions (2):

Labcorp Genetics (formerly Invitae), Labcorp
Classification: Uncertain significance. Last evaluated: 2025-07-10. Review status: criteria provided, single submitter. Criteria: Invitae Variant Classification Sherloc (09022015). Collection method: clinical testing. Allele origin: germline.
Comment: The GFAP gene has multiple clinically relevant transcripts. This variant occurs in alternate transcript NM_001131019.2, and corresponds to NM_002055.4:c.1171+463C>T in the primary transcript. This sequence change replaces proline, which is neutral and non-polar, with leucine, which is neutral and non-polar, at codon 427 of the GFAP protein (p.Pro427Leu). This variant is present in population databases (rs765781978, gnomAD 0.004%). This variant has not been reported in the literature in individuals affected with GFAP-related conditions. ClinVar contains an entry for this variant (Variation ID: 2984585). Experimental studies and prediction algorithms are not available or were not evaluated, and the functional significance of this variant is currently unknown. Algorithms developed to predict the effect of sequence changes on RNA splicing suggest that this variant is not likely to affect RNA splicing. In summary, the available evidence is currently insufficient to determine the role of this variant in disease. Therefore, it has been classified as a Variant of Uncertain Significance.

Blueprint Genetics
Classification: Uncertain significance. Last evaluated: 2024-08-28. Review status: criteria provided, single submitter. Criteria: ACMG Guidelines, 2015. Collection method: clinical testing. Allele origin: germline.

NM_002055.5(GFAP):c.1171+463C>T

Gene: GFAP (glial fibrillary acidic protein; minus strand). Cytogenetic location: 17q21.31.
Variant type: single nucleotide variant.
Coding change: c.1171+463C>T on transcript NM_002055.5 (MANE Select); 463 bases into the intron after coding-DNA position 1171, C replaced by T.
Molecular consequence: intron variant. On other transcripts: missense variant (2), 3 prime UTR variant (1).
Genome position (GRCh38, 1-based): chr17:44,910,152, G>A on the plus strand (C>T on the coding strand, the complement: GFAP is on the minus strand). VCF-style: chr17-44910152-G-A. GRCh37 (hg19) VCF-style: chr17-42987520-G-A.
Other names: c.1280C>T, p.Pro427Leu (NM_001131019.3, NM_001363846.2); c.*317C>T (NM_001242376.3); short protein forms P427L.
Identifiers: ClinVar variation 2984585 (VCV002984585.4), dbSNP rs765781978, ClinGen allele CA8608687.
Genomic context (GRCh38, chr17:44,910,152, plus strand): 5'-TCCCTGTCAAGCTGGGCAAAGCGCCGTGTCTGAGAGGCAGGCAGCTAACCGCGAGCCGGC[G>A]GCGTTCCATTTACAATCTGGTGAGCCTGTATTGGTATAACTCGTATTGTGAGGCTTTTGA-3'